The following is an entry in ClinVar:

ClinVar aggregate classification (germline): Uncertain significance (1 of 4 stars; one submission).

Submission:

GeneDx
Classification: Uncertain significance. Last evaluated: 2023-05-21. Review status: criteria provided, single submitter. Criteria: GeneDx Variant Classification Process June 2021. Collection method: clinical testing. Allele origin: germline. Affected: yes.
Comment: Not observed at significant frequency in large population cohorts (gnomAD); In silico analysis supports that this missense variant has a deleterious effect on protein structure/function; Has not been previously published as pathogenic or benign to our knowledge

NM_001190737.2(NFIB):c.862G>T (p.Asp288Tyr)

Gene: NFIB (nuclear factor I B; minus strand). Cytogenetic location: 9p23.
Variant type: single nucleotide variant.
Coding change: c.862G>T on transcript NM_001190737.2 (MANE Select); coding-DNA position 862, G replaced by T.
Protein change: p.Asp288Tyr; replaces aspartic acid 288 with tyrosine.
Molecular consequence: missense variant. On other transcripts: non-coding transcript variant (4).
Genome position (GRCh38, 1-based): chr9:14,146,752, C>A on the plus strand (G>T on the coding strand, the complement: NFIB is on the minus strand). VCF-style: chr9-14146752-C-A. GRCh37 (hg19) VCF-style: chr9-14146751-C-A.
Other names: c.106G>T, p.Asp36Tyr (NM_001282787.2); c.928G>T, p.Asp310Tyr (NM_001369458.1, NM_001369459.1, NM_001369462.1 and 1 more transcripts); c.850G>T, p.Asp284Tyr (NM_001369460.1, NM_001369463.1, NM_001369466.1 and 2 more transcripts); c.862G>T, p.Asp288Tyr (NM_001369461.1, NM_001369464.1, NM_001369471.1 and 2 more transcripts); c.940G>T, p.Asp314Tyr (NM_001190738.2); c.835G>T, p.Asp279Tyr (NM_001369465.1, NM_001369467.1, NM_001369476.1); c.718G>T, p.Asp240Tyr (NM_001369469.1); c.625G>T, p.Asp209Tyr (NM_001369470.1, NM_001369478.1); and 4 more; short protein forms D109Y, D209Y, D213Y, D240Y, D270Y, D279Y, D283Y, D284Y.
Identifiers: ClinVar variation 3343832 (VCV003343832.1).